The following is an entry in ClinVar:

NM_024854.5(PYROXD1):c.84+2T>C

Gene: PYROXD1 (pyridine nucleotide-disulphide oxidoreductase domain 1; plus strand). Cytogenetic location: 12p12.1.
Variant type: single nucleotide variant.
Coding change: c.84+2T>C on transcript NM_024854.5 (MANE Select); the canonical splice donor site of the intron after coding-DNA position 84, T replaced by C.
Molecular consequence: splice donor variant.
Genome position (GRCh38, 1-based): chr12:21,437,816, T>C. VCF-style: chr12-21437816-T-C. GRCh37 (hg19) VCF-style: chr12-21590750-T-C.
Other names: c.-620+2T>C (NM_001350913.2).
Identifiers: ClinVar variation 3676886 (VCV003676886.2).
Genomic context (GRCh38, chr12:21,437,816, plus strand): 5'-CGGCAGGGAAGTTCGTGGTGGTCGGCGGCGGCATCGCGGGCGTCACTTGTGCGGAGCAGG[T>C]AGGGCGGTGCTCAGGCGGTTCCGCCTCTTTCCCCGACCCCAAAGGGGATAGCACTGGAGG-3'

ClinVar aggregate classification (germline): Likely pathogenic (1 of 4 stars; one submission).

gnomAD v4.1: 1 of 1,611,706 alleles (0.000062%); highest among the groups gnomAD compares: Non-Finnish European, 0.000085%; no homozygotes.

Submission:

Labcorp Genetics (formerly Invitae), Labcorp
Classification: Likely pathogenic. Last evaluated: 2025-01-18. Review status: criteria provided, single submitter. Criteria: Invitae Variant Classification Sherloc (09022015). Collection method: clinical testing. Allele origin: germline.
Comment: This sequence change affects a donor splice site in intron 1 of the PYROXD1 gene. It is expected to disrupt RNA splicing. Variants that disrupt the donor or acceptor splice site typically lead to a loss of protein function (PMID: 16199547), and loss-of-function variants in PYROXD1 are known to be pathogenic (PMID: 27745833). This variant is not present in population databases (gnomAD no frequency). This variant has not been reported in the literature in individuals affected with PYROXD1-related conditions. Algorithms developed to predict the effect of sequence changes on RNA splicing suggest that this variant may disrupt the consensus splice site. In summary, the currently available evidence indicates that the variant is pathogenic, but additional data are needed to prove that conclusively. Therefore, this variant has been classified as Likely Pathogenic.

Literature cited by the submitters: PubMed 16199547; PubMed 27745833.